The following is an entry in ClinVar:

ClinVar aggregate classification (germline): Uncertain significance (1 of 4 stars; one submission).

Allele frequency attached by ClinVar (database versions not stated): gnomAD 0.00001.
gnomAD v4.1: 1 of 1,613,932 alleles (0.000062%); highest among the groups gnomAD compares: Non-Finnish European, 0.000085%; no homozygotes.

Submission:

Labcorp Genetics (formerly Invitae), Labcorp
Classification: Uncertain significance. Last evaluated: 2022-08-06. Review status: criteria provided, single submitter. Criteria: Invitae Variant Classification Sherloc (09022015). Collection method: clinical testing. Allele origin: germline.
Comment: This variant has not been reported in the literature in individuals affected with ACAD9-related conditions. Advanced modeling of protein sequence and biophysical properties (such as structural, functional, and spatial information, amino acid conservation, physicochemical variation, residue mobility, and thermodynamic stability) performed at Invitae indicates that this missense variant is expected to disrupt ACAD9 protein function. This variant is not present in population databases (gnomAD no frequency). This sequence change replaces glycine, which is neutral and non-polar, with valine, which is neutral and non-polar, at codon 267 of the ACAD9 protein (p.Gly267Val). In summary, the available evidence is currently insufficient to determine the role of this variant in disease. Therefore, it has been classified as a Variant of Uncertain Significance.

NM_014049.5(ACAD9):c.800G>T (p.Gly267Val)

Gene: ACAD9 (acyl-CoA dehydrogenase family member 9; plus strand). Cytogenetic location: 3q21.3.
Variant type: single nucleotide variant.
Coding change: c.800G>T on transcript NM_014049.5 (MANE Select); coding-DNA position 800, G replaced by T.
Protein change: p.Gly267Val; replaces glycine 267 with valine.
Molecular consequence: missense variant. On other transcripts: non-coding transcript variant (1).
Genome position (GRCh38, 1-based): chr3:128,899,453, G>T. VCF-style: chr3-128899453-G-T. GRCh37 (hg19) VCF-style: chr3-128618296-G-T.
Other names: c.431G>T, p.Gly144Val (NM_001410805.1); short protein forms G144V, G267V.
Identifiers: ClinVar variation 1715325 (VCV001715325.5), dbSNP rs764896398, ClinGen allele CA354434819.